The following is an entry in ClinVar:

NM_006950.3(SYN1):c.1110C>T (p.Cys370=)

Gene: SYN1 (synapsin I; minus strand). Cytogenetic location: Xp11.3.
Variant type: single nucleotide variant.
Coding change: c.1110C>T on transcript NM_006950.3 (MANE Select); coding-DNA position 1110, C replaced by T.
Protein change: p.Cys370=; no amino-acid change (cysteine 370 retained).
Molecular consequence: synonymous variant.
Genome position (GRCh38, 1-based): chrX:47,576,179, G>A on the plus strand (C>T on the coding strand, the complement: SYN1 is on the minus strand). VCF-style: chrX-47576179-G-A. GRCh37 (hg19) VCF-style: chrX-47435578-G-A.
Other names: p.C370C:TGC>TGT; c.1110C>T, p.Cys370= (NM_133499.2).
Identifiers: ClinVar variation 207463 (VCV000207463.18), dbSNP rs141925310, ClinGen allele CA318928.

ClinVar aggregate classification (germline): Benign/Likely benign. Review status: criteria provided, multiple submitters, no conflicts (2 of 4 stars). 5 submissions from 5 submitters: Benign (3); Likely benign (2). Last evaluated 2026-01-28.

Conditions:
Inborn genetic diseases. Identifiers: MedGen C0950123, MeSH D030342.
Epilepsy, X-linked 1, with variable learning disabilities and behavior disorders. Also called: X-linked epilepsy-learning disabilities-behavior disorders syndrome. Identifiers: Orphanet 85294, MedGen C5774177, MONDO:0010339, OMIM 300491.

Allele frequency attached by ClinVar (database versions not stated): ESP Exome Variant Server 0.00142; gnomAD exomes 0.00010 and 0.00034; ExAC 0.00081; 1000 Genomes Project 30x 0.00083; gnomAD 0.00097 and 0.00101; TOPMed 0.00097; 1000 Genomes Project 0.00106.
gnomAD v4.1: 222 of 1,202,995 alleles (0.018%); highest among the groups gnomAD compares: African/African-American, 0.34%; 1 homozygote.

Submissions (5):

Labcorp Genetics (formerly Invitae), Labcorp
Classification: Benign for Epilepsy, X-linked 1, with variable learning disabilities and behavior disorders. Last evaluated: 2026-01-28. Review status: criteria provided, single submitter. Criteria: Invitae Variant Classification Sherloc (09022015). Collection method: clinical testing. Allele origin: germline.

Blueprint Genetics
Classification: Likely benign. Last evaluated: 2023-04-18. Review status: criteria provided, single submitter. Criteria: ACMG Guidelines, 2015. Collection method: clinical testing. Allele origin: germline.

Ambry Genetics
Classification: Benign for Inborn genetic diseases. Last evaluated: 2017-09-29. Review status: criteria provided, single submitter. Criteria: Ambry Variant Classification Scheme 2023. Collection method: clinical testing. Allele origin: germline.

Genetic Services Laboratory, University of Chicago
Classification: Likely benign. Last evaluated: 2015-12-14. Review status: criteria provided, single submitter. Criteria: ACMG Guidelines, 2015. Collection method: clinical testing. Allele origin: germline. Affected: no.

GeneDx
Classification: Benign. Last evaluated: 2014-08-14. Review status: criteria provided, single submitter. Criteria: GeneDx Variant Classification (06012015). Collection method: clinical testing. Allele origin: germline. Affected: yes.
Comment: This variant is considered likely benign or benign based on one or more of the following criteria: it is a conservative change, it occurs at a poorly conserved position in the protein, it is predicted to be benign by multiple in silico algorithms, and/or has population frequency not consistent with disease.